The following is an entry in ClinVar:

NM_001041.4(SI):c.4508C>T (p.Ala1503Val)

Gene: SI (sucrase-isomaltase; minus strand). Cytogenetic location: 3q26.1.
Variant type: single nucleotide variant.
Coding change: c.4508C>T on transcript NM_001041.4 (MANE Select); coding-DNA position 4508, C replaced by T.
Protein change: p.Ala1503Val; replaces alanine 1503 with valine.
Molecular consequence: missense variant.
Genome position (GRCh38, 1-based): chr3:164,998,572, G>A on the plus strand (C>T on the coding strand, the complement: SI is on the minus strand). VCF-style: chr3-164998572-G-A. GRCh37 (hg19) VCF-style: chr3-164716360-G-A.
Other names: short protein forms A1503V.
Identifiers: ClinVar variation 1434953 (VCV001434953.3), dbSNP rs868014810, ClinGen allele CA86494398.

ClinVar aggregate classification (germline): Uncertain significance (1 of 4 stars; one submission).

Allele frequency attached by ClinVar (database versions not stated): gnomAD exomes 0.00001.
gnomAD v4.1: 20 of 1,612,156 alleles (0.0012%); highest among the groups gnomAD compares: Middle Eastern, 0.26%; no homozygotes.

Submission:

Labcorp Genetics (formerly Invitae), Labcorp
Classification: Uncertain significance. Last evaluated: 2022-07-26. Review status: criteria provided, single submitter. Criteria: Invitae Variant Classification Sherloc (09022015). Collection method: clinical testing. Allele origin: germline.
Comment: This sequence change replaces alanine, which is neutral and non-polar, with valine, which is neutral and non-polar, at codon 1503 of the SI protein (p.Ala1503Val). This variant is not present in population databases (gnomAD no frequency). This variant has not been reported in the literature in individuals affected with SI-related conditions. ClinVar contains an entry for this variant (Variation ID: 1434953). Advanced modeling of protein sequence and biophysical properties (such as structural, functional, and spatial information, amino acid conservation, physicochemical variation, residue mobility, and thermodynamic stability) performed at Invitae indicates that this missense variant is expected to disrupt SI protein function. In summary, the available evidence is currently insufficient to determine the role of this variant in disease. Therefore, it has been classified as a Variant of Uncertain Significance.